The following is an entry in ClinVar:

ClinVar aggregate classification (germline): Pathogenic (1 of 4 stars; one submission).

Conditions:
Parathyroid carcinoma (PRTC). Also called: CDC73-Related Parathyroid Carcinoma; Parathyroid gland carcinoma. Identifiers: Orphanet 143, MedGen C0687150, MONDO:0012004, OMIM 608266, HP:0006780.

Submission:

Labcorp Genetics (formerly Invitae), Labcorp
Classification: Pathogenic for Parathyroid carcinoma. Last evaluated: 2024-06-04. Review status: criteria provided, single submitter. Criteria: Invitae Variant Classification Sherloc (09022015). Collection method: clinical testing. Allele origin: germline.
Comment: This sequence change creates a premature translational stop signal (p.Ala79Valfs*37) in the CDC73 gene. It is expected to result in an absent or disrupted protein product. Loss-of-function variants in CDC73 are known to be pathogenic (PMID: 12434154). This variant is not present in population databases (gnomAD no frequency). This variant has not been reported in the literature in individuals affected with CDC73-related conditions. For these reasons, this variant has been classified as Pathogenic.

Literature cited by the submitters: PubMed 12434154.

NM_024529.5(CDC73):c.216_235dup (p.Ala79fs)

Gene: CDC73 (cell division cycle 73; plus strand). Cytogenetic location: 1q31.2.
Variant type: Duplication.
Coding change: c.216_235dup on transcript NM_024529.5 (MANE Select); coding-DNA positions 216 to 235, 20 bases duplicated (TGTTTATGTCCGACGTGCAG).
Protein change: p.Ala79fs; shifts the reading frame from alanine 79.
Molecular consequence: frameshift variant.
Genome position (GRCh38, 1-based): chr1:193,125,196-193,125,215, TGTTTATGTCCGACGTGCAG duplicated. VCF-style (leftmost placement, unchanged base first): chr1-193125195-C-CTGTTTATGTCCGACGTGCAG. GRCh37 (hg19) VCF-style: chr1-193094325-C-CTGTTTATGTCCGACGTGCAG.
Other names: short protein forms A79fs.
Identifiers: ClinVar variation 3655453 (VCV003655453.2).